The following is an entry in ClinVar:

NM_152383.5(DIS3L2):c.2131G>A (p.Val711Met)

Gene: DIS3L2 (DIS3 like 3'-5' exoribonuclease 2; plus strand). Cytogenetic location: 2q37.1.
Variant type: single nucleotide variant.
Coding change: c.2131G>A on transcript NM_152383.5 (MANE Select); coding-DNA position 2131, G replaced by A.
Protein change: p.Val711Met; replaces valine 711 with methionine.
Molecular consequence: missense variant. On other transcripts: non-coding transcript variant (2), intron variant (1).
Genome position (GRCh38, 1-based): chr2:232,333,960, G>A. VCF-style: chr2-232333960-G-A. GRCh37 (hg19) VCF-style: chr2-233198670-G-A.
Other names: c.1582-9385G>A (NM_001257281.2); short protein forms V711M.
Identifiers: ClinVar variation 2171022 (VCV002171022.4), dbSNP rs2469446729, ClinGen allele CA350977542.

ClinVar aggregate classification (germline): Uncertain significance (1 of 4 stars; one submission).

Conditions:
Perlman syndrome (PRLMNS). Identifiers: Orphanet 2849, MedGen C0796113, MONDO:0009965, OMIM 267000.

gnomAD v4.1: 2 of 1,612,508 alleles (0.00012%); highest among the groups gnomAD compares: Non-Finnish European, 0.00017%; no homozygotes.

Submission:

Labcorp Genetics (formerly Invitae), Labcorp
Classification: Uncertain significance for Perlman syndrome. Last evaluated: 2023-12-28. Review status: criteria provided, single submitter. Criteria: Invitae Variant Classification Sherloc (09022015). Collection method: clinical testing. Allele origin: germline.
Comment: This sequence change replaces valine, which is neutral and non-polar, with methionine, which is neutral and non-polar, at codon 711 of the DIS3L2 protein (p.Val711Met). This variant is not present in population databases (gnomAD no frequency). This variant has not been reported in the literature in individuals affected with DIS3L2-related conditions. ClinVar contains an entry for this variant (Variation ID: 2171022). Advanced modeling of protein sequence and biophysical properties (such as structural, functional, and spatial information, amino acid conservation, physicochemical variation, residue mobility, and thermodynamic stability) performed at Invitae indicates that this missense variant is expected to disrupt DIS3L2 protein function with a positive predictive value of 80%. In summary, the available evidence is currently insufficient to determine the role of this variant in disease. Therefore, it has been classified as a Variant of Uncertain Significance.